The following is an entry in ClinVar:

NM_001374828.1(ARID1B):c.371C>T (p.Ser124Phe)

Genes: ARID1B (AT-rich interaction domain 1B; plus strand), LOC115308161 (uncharacterized LOC115308161; minus strand). Cytogenetic location: 6q25.3.
Variant type: single nucleotide variant.
Coding change: c.371C>T on transcript NM_001374828.1 (MANE Select); coding-DNA position 371, C replaced by T.
Protein change: p.Ser124Phe; replaces serine 124 with phenylalanine.
Molecular consequence: missense variant.
Genome position (GRCh38, 1-based): chr6:156,778,051, C>T. VCF-style: chr6-156778051-C-T. GRCh37 (hg19) VCF-style: chr6-157099185-C-T.
Other names: c.-53C>T (NM_175863.2); c.122C>T, p.Ser41Phe (NM_001346813.1, NM_020732.3); c.371C>T, p.Ser124Phe (NM_001371656.1, NM_001374820.1, NM_017519.3); short protein forms S41F, S124F.
Identifiers: ClinVar variation 2730551 (VCV002730551.4), dbSNP rs890215101, ClinGen allele CA150802692.

ClinVar aggregate classification (germline): Conflicting classifications of pathogenicity. Review status: criteria provided, conflicting classifications (1 of 4 stars). 2 submissions from 2 submitters: Uncertain significance (1); Likely benign (1). Last evaluated 2023-06-29.

Conditions:
Hereditary ataxia. Also called: Hereditary Ataxias. Identifiers: Orphanet 183518, MedGen C0004138, MONDO:0100309, MONDO:0000557.

Allele frequency attached by ClinVar (database versions not stated): gnomAD 0.00002.
gnomAD v4.1: 87 of 1,536,190 alleles (0.0057%); highest among the groups gnomAD compares: Non-Finnish European, 0.0072%; no homozygotes.

Submissions (2):

Labcorp Genetics (formerly Invitae), Labcorp
Classification: Uncertain significance. Last evaluated: 2023-06-29. Review status: criteria provided, single submitter. Criteria: Invitae Variant Classification Sherloc (09022015). Collection method: clinical testing. Allele origin: germline.
Comment: This sequence change replaces serine, which is neutral and polar, with phenylalanine, which is neutral and non-polar, at codon 41 of the ARID1B protein (p.Ser41Phe). This variant is present in population databases (no rsID available, gnomAD 0.006%). This variant has not been reported in the literature in individuals affected with ARID1B-related conditions. Experimental studies and prediction algorithms are not available or were not evaluated, and the functional significance of this variant is currently unknown. In summary, the available evidence is currently insufficient to determine the role of this variant in disease. Therefore, it has been classified as a Variant of Uncertain Significance.

Cambridge Genomics Laboratory, East Genomic Laboratory Hub, NHS Genomic Medicine Service
Classification: Likely benign for Hereditary ataxia. Last evaluated: 2019-10-17. Review status: criteria provided, single submitter. Criteria: ACGS Best Practice Guidelines for Variant Classification in Rare Disease 2020. Collection method: clinical testing. Allele origin: germline. Affected: yes. Observed: 1 variant allele.